The following is an entry in ClinVar:

NM_016604.4(KDM3B):c.4943A>G (p.His1648Arg)

Gene: KDM3B (lysine demethylase 3B; plus strand). Cytogenetic location: 5q31.2.
Variant type: single nucleotide variant.
Coding change: c.4943A>G on transcript NM_016604.4 (MANE Select); coding-DNA position 4943, A replaced by G.
Protein change: p.His1648Arg; replaces histidine 1648 with arginine.
Molecular consequence: missense variant.
Genome position (GRCh38, 1-based): chr5:138,430,298, A>G. VCF-style: chr5-138430298-A-G. GRCh37 (hg19) VCF-style: chr5-137765987-A-G.
Other names: short protein forms H1648R.
Identifiers: ClinVar variation 3368274 (VCV003368274.1).

ClinVar aggregate classification (germline): Uncertain significance (1 of 4 stars; one submission).

Submission:

GeneDx
Classification: Uncertain significance. Last evaluated: 2024-01-24. Review status: criteria provided, single submitter. Criteria: GeneDx Variant Classification Process June 2021. Collection method: clinical testing. Allele origin: germline. Affected: yes.
Comment: Not observed at significant frequency in large population cohorts (gnomAD); In silico analysis supports that this missense variant does not alter protein structure/function; Has not been previously published as pathogenic or benign to our knowledge